The following is an entry in ClinVar:

ClinVar aggregate classification (germline): Uncertain significance (1 of 4 stars; one submission).

Conditions:
Hyperekplexia 3 (HKPX3). Also called: HYPEREKPLEXIA 3, AUTOSOMAL RECESSIVE; HYPEREKPLEXIA 3, AUTOSOMAL DOMINANT. Identifiers: Orphanet 3197, MedGen C3553288, MONDO:0013827, OMIM 614618.

Allele frequency attached by ClinVar (database versions not stated): gnomAD exomes 0.00001.
gnomAD v4.1: 4 of 1,613,790 alleles (0.00025%); highest among the groups gnomAD compares: Admixed American, 0.0067%; no homozygotes.

Submission:

Labcorp Genetics (formerly Invitae), Labcorp
Classification: Uncertain significance for Hyperekplexia 3. Last evaluated: 2022-06-22. Review status: criteria provided, single submitter. Criteria: Invitae Variant Classification Sherloc (09022015). Collection method: clinical testing. Allele origin: germline.
Comment: This sequence change replaces glycine, which is neutral and non-polar, with cysteine, which is neutral and slightly polar, at codon 608 of the SLC6A5 protein (p.Gly608Cys). This variant is present in population databases (no rsID available, gnomAD 0.009%). This variant has not been reported in the literature in individuals affected with SLC6A5-related conditions. Advanced modeling of protein sequence and biophysical properties (such as structural, functional, and spatial information, amino acid conservation, physicochemical variation, residue mobility, and thermodynamic stability) performed at Invitae indicates that this missense variant is not expected to disrupt SLC6A5 protein function. In summary, the available evidence is currently insufficient to determine the role of this variant in disease. Therefore, it has been classified as a Variant of Uncertain Significance.

NM_004211.5(SLC6A5):c.1822G>T (p.Gly608Cys)

Gene: SLC6A5 (solute carrier family 6 member 5; plus strand). Cytogenetic location: 11p15.1.
Variant type: single nucleotide variant.
Coding change: c.1822G>T on transcript NM_004211.5 (MANE Select); coding-DNA position 1822, G replaced by T.
Protein change: p.Gly608Cys; replaces glycine 608 with cysteine.
Molecular consequence: missense variant.
Genome position (GRCh38, 1-based): chr11:20,637,256, G>T. VCF-style: chr11-20637256-G-T. GRCh37 (hg19) VCF-style: chr11-20658802-G-T.
Other names: c.1120G>T, p.Gly374Cys (NM_001318369.2); short protein forms G608C, G374C.
Identifiers: ClinVar variation 1437427 (VCV001437427.5), dbSNP rs1565285393, ClinGen allele CA379918243.